The following is an entry in ClinVar:

ClinVar aggregate classification (germline): Uncertain significance. Review status: criteria provided, multiple submitters, no conflicts (2 of 4 stars). 5 submissions from 5 submitters: Uncertain significance (5). Last evaluated 2025-08-27.

Allele frequency attached by ClinVar (database versions not stated): ExAC 0.00016; gnomAD exomes 0.00017 and 0.00018; TOPMed 0.00017; gnomAD 0.00019; ESP Exome Variant Server 0.00023; 1000 Genomes Project 30x 0.00031.
gnomAD v4.1: 272 of 1,601,282 alleles (0.017%); highest among the groups gnomAD compares: Non-Finnish European, 0.022%; no homozygotes.

Submissions (5):

Mayo Clinic Laboratories, Mayo Clinic
Classification: Uncertain significance. Last evaluated: 2025-08-27. Review status: criteria provided, single submitter. Criteria: ACMG Guidelines, 2015. Collection method: clinical testing. Allele origin: germline. Observed: 2 variant alleles.
Comment: PM2_supporting

CeGaT Center for Human Genetics Tuebingen
Classification: Uncertain significance. Last evaluated: 2025-04-01. Review status: criteria provided, single submitter. Criteria: CeGaT Center For Human Genetics Tuebingen Variant Classification Criteria Version 2. Collection method: clinical testing. Allele origin: germline. Affected: yes. Observed: 1 variant allele.
Comment: SPTB: PP3

Center for Genomic Medicine, Rigshospitalet, Copenhagen University Hospital
Classification: Uncertain significance. Last evaluated: 2025-03-04. Review status: criteria provided, single submitter. Criteria: ACMG Guidelines, 2015. Collection method: clinical testing. Allele origin: germline.

Revvity Omics, Revvity
Classification: Uncertain significance. Last evaluated: 2024-09-18. Review status: criteria provided, single submitter. Criteria: ACMG Guidelines, 2015. Collection method: clinical testing. Allele origin: germline.

ARUP Laboratories, Molecular Genetics and Genomics, ARUP Laboratories
Classification: Uncertain significance. Last evaluated: 2018-10-21. Review status: criteria provided, single submitter. Criteria: ARUP Molecular Germline Variant Investigation Process. Collection method: clinical testing. Allele origin: germline.

NM_001355436.2(SPTB):c.1182+3A>G

Gene: SPTB (spectrin beta, erythrocytic; minus strand). Cytogenetic location: 14q23.3.
Variant type: single nucleotide variant.
Coding change: c.1182+3A>G on transcript NM_001355436.2 (MANE Select); 3 bases into the intron after coding-DNA position 1182, A replaced by G.
Molecular consequence: intron variant.
Genome position (GRCh38, 1-based): chr14:64,797,726, T>C on the plus strand (A>G on the coding strand, the complement: SPTB is on the minus strand). VCF-style: chr14-64797726-T-C. GRCh37 (hg19) VCF-style: chr14-65264444-T-C.
Other names: p.?; c.1182+3A>G (NM_001024858.4, NM_001355437.2).
Identifiers: ClinVar variation 811784 (VCV000811784.19), dbSNP rs45556435, ClinGen allele CA7231203.
Genomic context (GRCh38, chr14:64,797,726, plus strand): 5'-CTGTGTCCTTATCGGGAATTCAATCAATCTACTGTCAATGCATAACGGAAAATGCTGTGG[T>C]ACCCTGTTGATGTCAGACACTAGTTTCCCATCGTGGGGTGTGTACACTTTCTGATTGTTG-3'